The following is an entry in ClinVar:

ClinVar aggregate classification (germline): Likely benign (1 of 4 stars; one submission).

Allele frequency attached by ClinVar (database versions not stated): 1000 Genomes Project 30x 0.00031; 1000 Genomes Project 0.00040; gnomAD 0.00044; TOPMed 0.00044; gnomAD exomes 0.00046; ExAC 0.00054; ESP Exome Variant Server 0.00054.
gnomAD v4.1: 730 of 1,614,210 alleles (0.045%); highest among the groups gnomAD compares: Non-Finnish European, 0.049%; no homozygotes.

Submission:

CeGaT Center for Human Genetics Tuebingen
Classification: Likely benign. Last evaluated: 2023-03-01. Review status: criteria provided, single submitter. Criteria: CeGaT Center For Human Genetics Tuebingen Variant Classification Criteria Version 2. Collection method: clinical testing. Allele origin: germline. Affected: yes. Observed: 1 variant allele.
Comment: SIGLECL1: BP4, BP7

NM_001385465.1(SIGLECL1):c.306A>G (p.Arg102=)

Gene: SIGLECL1 (SIGLEC family like 1; plus strand). Cytogenetic location: 19q13.41.
Variant type: single nucleotide variant.
Coding change: c.306A>G on transcript NM_001385465.1 (MANE Select); coding-DNA position 306, A replaced by G.
Protein change: p.Arg102=; no amino-acid change (arginine 102 retained).
Molecular consequence: synonymous variant. On other transcripts: non-coding transcript variant (2).
Genome position (GRCh38, 1-based): chr19:51,265,778, A>G. VCF-style: chr19-51265778-A-G. GRCh37 (hg19) VCF-style: chr19-51769032-A-G.
Other names: c.24A>G, p.Gly8= (NM_001308437.2, NM_001385467.1); c.306A>G, p.Arg102= (NM_001385466.1, NM_173635.3).
Identifiers: ClinVar variation 2650369 (VCV002650369.24), dbSNP rs141713421, ClinGen allele CA9609997.
Genomic context (GRCh38, chr19:51,265,778, plus strand): 5'-GAGAATGGAGCAGAGTTTTGGCTCCGATGCCAAACTTCTCACATGCTCTCTGCTTCCAGG[A>G]AAGAGTTCTTTGGCTGCCCAGGCCTTCGTGAAAGGGCTGATCCAGGGTGCTATCTATGCG-3'
Protein context (NP_001372394.1, residues 92-112): THALSILLMS[Arg102=]KSSLAAQAFV